The following is an entry in ClinVar:

ClinVar aggregate classification (germline): Uncertain significance. Review status: criteria provided, multiple submitters, no conflicts (2 of 4 stars). 2 submissions from 2 submitters: Uncertain significance (2). Last evaluated 2025-04-07.

Allele frequency attached by ClinVar (database versions not stated): TOPMed 0.00001; ExAC 0.00002.
gnomAD v4.1: 12 of 1,613,308 alleles (0.00074%); highest among the groups gnomAD compares: East Asian, 0.022%; no homozygotes.

Submissions (2):

Ambry Genetics
Classification: Uncertain significance. Last evaluated: 2025-04-07. Review status: criteria provided, single submitter. Criteria: Ambry Variant Classification Scheme 2023. Collection method: clinical testing. Allele origin: germline.

Labcorp Genetics (formerly Invitae), Labcorp
Classification: Uncertain significance. Last evaluated: 2025-01-14. Review status: criteria provided, single submitter. Criteria: Invitae Variant Classification Sherloc (09022015). Collection method: clinical testing. Allele origin: germline.
Comment: This sequence change replaces alanine, which is neutral and non-polar, with aspartic acid, which is acidic and polar, at codon 5441 of the HMCN1 protein (p.Ala5441Asp). This variant is present in population databases (rs761771647, gnomAD 0.05%). This variant has not been reported in the literature in individuals affected with HMCN1-related conditions. ClinVar contains an entry for this variant (Variation ID: 2316743). An algorithm developed to predict the effect of missense changes on protein structure and function (PolyPhen-2) suggests that this variant is likely to be tolerated. In summary, the available evidence is currently insufficient to determine the role of this variant in disease. Therefore, it has been classified as a Variant of Uncertain Significance.

NM_031935.3(HMCN1):c.16322C>A (p.Ala5441Asp)

Gene: HMCN1 (hemicentin 1; plus strand). Cytogenetic location: 1q31.1.
Variant type: single nucleotide variant.
Coding change: c.16322C>A on transcript NM_031935.3 (MANE Select); coding-DNA position 16322, C replaced by A.
Protein change: p.Ala5441Asp; replaces alanine 5441 with aspartic acid.
Molecular consequence: missense variant.
Genome position (GRCh38, 1-based): chr1:186,182,195, C>A. VCF-style: chr1-186182195-C-A. GRCh37 (hg19) VCF-style: chr1-186151327-C-A.
Other names: short protein forms A5441D.
Identifiers: ClinVar variation 2316743 (VCV002316743.5), dbSNP rs761771647, ClinGen allele CA1295525.